The following is an entry in ClinVar:

NM_005228.5(EGFR):c.2972G>C (p.Ser991Thr)

Gene: EGFR (epidermal growth factor receptor; plus strand). Cytogenetic location: 7p11.2.
Variant type: single nucleotide variant.
Coding change: c.2972G>C on transcript NM_005228.5 (MANE Select); coding-DNA position 2972, G replaced by C.
Protein change: p.Ser991Thr; replaces serine 991 with threonine.
Molecular consequence: missense variant.
Genome position (GRCh38, 1-based): chr7:55,201,213, G>C. VCF-style: chr7-55201213-G-C. GRCh37 (hg19) VCF-style: chr7-55268906-G-C.
Other names: c.2837G>C, p.Ser946Thr (NM_001346897.2, NM_001346899.2); c.2972G>C, p.Ser991Thr (NM_001346898.2); c.2813G>C, p.Ser938Thr (NM_001346900.2); c.2171G>C, p.Ser724Thr (NM_001346941.2); short protein forms S938T, S946T, S991T, S724T.
Identifiers: ClinVar variation 1520696 (VCV001520696.8), dbSNP rs1787831699, ClinGen allele CA367582387.

ClinVar aggregate classification (germline): Uncertain significance (1 of 4 stars; one submission).

Conditions:
EGFR-related lung cancer (EGFR). Identifiers: MedGen CN130014.

Submission:

Labcorp Genetics (formerly Invitae), Labcorp
Classification: Uncertain significance for EGFR-related lung cancer. Last evaluated: 2022-12-12. Review status: criteria provided, single submitter. Criteria: Invitae Variant Classification Sherloc (09022015). Collection method: clinical testing. Allele origin: germline.
Comment: This sequence change replaces serine, which is neutral and polar, with threonine, which is neutral and polar, at codon 991 of the EGFR protein (p.Ser991Thr). This variant is not present in population databases (gnomAD no frequency). This variant has not been reported in the literature in individuals affected with EGFR-related conditions. ClinVar contains an entry for this variant (Variation ID: 1520696). Advanced modeling of protein sequence and biophysical properties (such as structural, functional, and spatial information, amino acid conservation, physicochemical variation, residue mobility, and thermodynamic stability) performed at Invitae indicates that this missense variant is not expected to disrupt EGFR protein function. Algorithms developed to predict the effect of sequence changes on RNA splicing suggest that this variant may create or strengthen a splice site. In summary, the available evidence is currently insufficient to determine the role of this variant in disease. Therefore, it has been classified as a Variant of Uncertain Significance.